The following is an entry in ClinVar:

ClinVar aggregate classification (germline): Uncertain significance (1 of 4 stars; one submission).

Conditions:
Cardiovascular phenotype. Identifiers: MedGen CN230736.

Allele frequency attached by ClinVar (database versions not stated): gnomAD exomes below 0.00001.
gnomAD v4.1: 5 of 1,613,710 alleles (0.00031%); highest among the groups gnomAD compares: Non-Finnish European, 0.00042%; no homozygotes.

Submission:

Ambry Genetics
Classification: Uncertain significance for Cardiovascular phenotype. Last evaluated: 2021-10-11. Review status: criteria provided, single submitter. Criteria: Ambry Variant Classification Scheme 2023. Collection method: clinical testing. Allele origin: germline.
Comment: The p.G491D variant (also known as c.1472G>A), located in coding exon 11 of the ABCG5 gene, results from a G to A substitution at nucleotide position 1472. The glycine at codon 491 is replaced by aspartic acid, an amino acid with similar properties. This amino acid position is conserved. In addition, the in silico prediction for this alteration is inconclusive. Since supporting evidence is limited at this time, the clinical significance of this alteration remains unclear.

NM_022436.3(ABCG5):c.1472G>A (p.Gly491Asp)

Genes: DYNC2LI1 (dynein cytoplasmic 2 light intermediate chain 1; plus strand), ABCG5 (ATP binding cassette subfamily G member 5; minus strand). Cytogenetic location: 2p21.
Variant type: single nucleotide variant.
Coding change: c.1472G>A on transcript NM_022436.3 (MANE Select); coding-DNA position 1472, G replaced by A.
Protein change: p.Gly491Asp; replaces glycine 491 with aspartic acid.
Molecular consequence: missense variant. On other transcripts: intron variant (2).
Genome position (GRCh38, 1-based): chr2:43,820,092, C>T on the plus strand (G>A on the coding strand, the complement: ABCG5 is on the minus strand). VCF-style: chr2-43820092-C-T. GRCh37 (hg19) VCF-style: chr2-44047231-C-T.
Other names: c.*16-7294C>T (NM_001348913.2, NM_001348912.2); short protein forms G491D.
Identifiers: ClinVar variation 1773384 (VCV001773384.2), dbSNP rs1053063200, ClinGen allele CA346663252.